The following is an entry in ClinVar:

NM_001267550.2(TTN):c.101454A>C (p.Lys33818Asn)

Genes: TTN-AS1 (TTN antisense RNA 1; plus strand), TTN (titin; minus strand). Cytogenetic location: 2q31.2.
Variant type: single nucleotide variant.
Coding change: c.101454A>C on transcript NM_001267550.2 (MANE Select); coding-DNA position 101454, A replaced by C.
Protein change: p.Lys33818Asn; replaces lysine 33818 with asparagine.
Molecular consequence: missense variant.
Genome position (GRCh38, 1-based): chr2:178,535,161, T>G on the plus strand (A>C on the coding strand, the complement: TTN is on the minus strand). VCF-style: chr2-178535161-T-G. GRCh37 (hg19) VCF-style: chr2-179399888-T-G.
Other names: c.96531A>C, p.Lys32177Asn (NM_001256850.1); c.74259A>C, p.Lys24753Asn (NM_003319.4); c.93750A>C, p.Lys31250Asn (NM_133378.4); c.74634A>C, p.Lys24878Asn (NM_133432.3); c.74835A>C, p.Lys24945Asn (NM_133437.4); short protein forms K24753N, K24878N, K24945N, K31250N, K32177N, K33818N.
Identifiers: ClinVar variation 3754799 (VCV003754799.2).
Genomic context (GRCh38, chr2:178,535,161, plus strand): 5'-TTCAACACAACGATGGACAATTCCAAACTCACCACGCCCAAGATCTTCAGCAATCATATA[T>G]TTCTCATAGAGTTCCTTGGTTGAAGAGTGAGATGCTTTAGTCATGGAGACTTCCCTGGTT-3'
Protein context (NP_001254479.2, residues 33808-33828): SHSSTKELYE[Lys33818Asn]YMIAEDLGRG

ClinVar aggregate classification (germline): Uncertain significance (1 of 4 stars; one submission).

Conditions:
Autosomal recessive limb-girdle muscular dystrophy type 2J (LGMDR10). Also called: Limb-girdle muscular dystrophy, type 2J; MUSCULAR DYSTROPHY, LIMB-GIRDLE, AUTOSOMAL RECESSIVE 10. Identifiers: Orphanet 140922, MedGen C1837342, MONDO:0012127, OMIM 608807.
Dilated cardiomyopathy 1G (CMD1G). Identifiers: Orphanet 154, MedGen C1858763, MONDO:0011400, OMIM 604145.

Submission:

Labcorp Genetics (formerly Invitae), Labcorp
Classification: Uncertain significance for Dilated cardiomyopathy 1G; Autosomal recessive limb-girdle muscular dystrophy type 2J. Last evaluated: 2025-05-05. Review status: criteria provided, single submitter. Criteria: Invitae Variant Classification Sherloc (09022015). Collection method: clinical testing. Allele origin: germline.
Comment: This sequence change replaces lysine, which is basic and polar, with asparagine, which is neutral and polar, at codon 33818 of the TTN protein (p.Lys33818Asn). This variant is not present in population databases (gnomAD no frequency). This variant has not been reported in the literature in individuals affected with TTN-related conditions. ClinVar contains an entry for this variant (Variation ID: 3754799). Experimental studies and prediction algorithms are not available or were not evaluated, and the functional significance of this variant is currently unknown. This variant is located in the M band of TTN (PMID: 25589632). Non-truncating variants in this region may be relevant for neuromuscular disorders, but have not been definitively shown to cause cardiomyopathy (PMID: 23975875). In summary, the available evidence is currently insufficient to determine the role of this variant in disease. Therefore, it has been classified as a Variant of Uncertain Significance.

Literature cited by the submitters: PubMed 25589632; PubMed 23975875.